The following is an entry in ClinVar:

NM_014639.4(SKIC3):c.1580A>G (p.Asp527Gly)

Gene: SKIC3 (SKI3 subunit of superkiller complex; minus strand). Cytogenetic location: 5q15.
Variant type: single nucleotide variant.
Coding change: c.1580A>G on transcript NM_014639.4 (MANE Select); coding-DNA position 1580, A replaced by G.
Protein change: p.Asp527Gly; replaces aspartic acid 527 with glycine.
Molecular consequence: missense variant.
Genome position (GRCh38, 1-based): chr5:95,523,707, T>C on the plus strand (A>G on the coding strand, the complement: SKIC3 is on the minus strand). VCF-style: chr5-95523707-T-C. GRCh37 (hg19) VCF-style: chr5-94859411-T-C.
Other names: short protein forms D527G.
Identifiers: ClinVar variation 2054548 (VCV002054548.1), dbSNP rs1172397510, ClinGen allele CA360463942.

ClinVar aggregate classification (germline): Uncertain significance (1 of 4 stars; one submission).

Allele frequency attached by ClinVar (database versions not stated): gnomAD 0.00001; TOPMed 0.00001.
gnomAD v4.1: 1 of 1,613,614 alleles (0.000062%); highest among the groups gnomAD compares: East Asian, 0.0022%; no homozygotes.

Submission:

Labcorp Genetics (formerly Invitae), Labcorp
Classification: Uncertain significance. Last evaluated: 2022-08-16. Review status: criteria provided, single submitter. Criteria: Invitae Variant Classification Sherloc (09022015). Collection method: clinical testing. Allele origin: germline.
Comment: This sequence change replaces aspartic acid, which is acidic and polar, with glycine, which is neutral and non-polar, at codon 527 of the TTC37 protein (p.Asp527Gly). This variant is not present in population databases (gnomAD no frequency). This variant has not been reported in the literature in individuals affected with TTC37-related conditions. Algorithms developed to predict the effect of missense changes on protein structure and function are either unavailable or do not agree on the potential impact of this missense change (SIFT: "Tolerated"; PolyPhen-2: "Probably Damaging"; Align-GVGD: "Class C0"). In summary, the available evidence is currently insufficient to determine the role of this variant in disease. Therefore, it has been classified as a Variant of Uncertain Significance.